The following is an entry in ClinVar:

NM_004086.3(COCH):c.151C>T (p.Pro51Ser)

Genes: COCH (cochlin; plus strand), COCH-AS1 (COCH antisense RNA 1; minus strand). Cytogenetic location: 14q12.
Variant type: single nucleotide variant.
Coding change: c.151C>T on transcript NM_004086.3 (MANE Select); coding-DNA position 151, C replaced by T.
Protein change: p.Pro51Ser; replaces proline 51 with serine.
Molecular consequence: missense variant.
Genome position (GRCh38, 1-based): chr14:30,877,640, C>T. VCF-style: chr14-30877640-C-T. GRCh37 (hg19) VCF-style: chr14-31346846-C-T.
Other names: NM_004086.2(COCH):c.151C>T(p.Pro51Ser); NM_004086.2(COCH):c.151C>T; c.151C>T, p.Pro51Ser (NM_001135058.2); c.346C>T, p.Pro116Ser (NM_001347720.2); short protein forms P51S, P116S.
Identifiers: ClinVar variation 6611 (VCV000006611.55), dbSNP rs28938175, ClinGen allele CA253889.

ClinVar aggregate classification (germline): Pathogenic. Review status: reviewed by expert panel (3 of 4 stars). 9 submissions from 9 submitters: Pathogenic (1). 8 of the submissions do not count toward it. Last evaluated 2018-09-19.

Conditions:
COCH-related disorder. Also called: COCH-related condition.
Rare genetic deafness. Identifiers: Orphanet 96210, MedGen C5680250.
Nonsyndromic genetic hearing loss. Also called: Nonsyndromic hearing loss and deafness; Nonsyndromic genetic deafness; Non-syndromic genetic deafness. Identifiers: Orphanet 87884, MedGen C5680182, MONDO:0019497.
Autosomal dominant nonsyndromic hearing loss 9. Identifiers: Orphanet 90635, MedGen C1832425, MONDO:0011058, OMIM 601369.
Hearing impairment. Also called: Impaired Hearing. Identifiers: MedGen C1384666, MONDO:0005365, HP:0000365.

Allele frequency attached by ClinVar (database versions not stated): gnomAD exomes below 0.00001 and 0.00001; TOPMed below 0.00001.
gnomAD v4.1: 3 of 1,614,172 alleles (0.00019%); highest among the groups gnomAD compares: Non-Finnish European, 0.00025%; no homozygotes.

Submissions (9):

ClinGen Hearing Loss Variant Curation Expert Panel
Classification: Pathogenic for Nonsyndromic genetic hearing loss. Last evaluated: 2018-09-19. Review status: reviewed by expert panel. Criteria: ClinGen HL ACMG Specifications v1. Collection method: curation. Allele origin: germline. Inheritance: Autosomal dominant inheritance.
Comment: The c.151C>T (p.Pro51Ser) variant in COCH has been reported to segregate with late onset progressive hearing loss and vestibular dysfunction in > 25 family members (PP1_S; PMID: 9931344, 11332404). The variant meets PM2 and has been observed in at least 15 affected probands (PS4, PMID: 28733840, 16151338, 11332404). The allele frequency of the p.Pro51Ser variant is 0.001% (1/111716) of European chromosomes by the Genome Aggregation Database, which is a low enough frequency to award PM2 based on the thresholds defined by the ClinGen Hearing Loss Expert Panel for autosomal dominant hearing loss (PM2). Computational prediction tools and conservation analysis suggest that the p.Pro51Ser variant may impact the protein (PP3). In summary, this variant meets criteria to be classified as pathogenic for autosomal dominant hearing loss based on the ACMG/AMP criteria applied, as specified by the Hearing Loss Expert Panel: PP1_S, PS4, PM2, PP3.

Labcorp Genetics (formerly Invitae), Labcorp
Classification: Pathogenic. Last evaluated: 2025-03-07. Review status: criteria provided, single submitter. Criteria: Invitae Variant Classification Sherloc (09022015). Collection method: clinical testing. Allele origin: germline. Not counted in ClinVar's aggregate classification.
Comment: This sequence change replaces proline, which is neutral and non-polar, with serine, which is neutral and polar, at codon 51 of the COCH protein (p.Pro51Ser). This variant is present in population databases (rs28938175, gnomAD 0.0009%). This missense change has been observed in individual(s) with autosomal dominant non-syndromic deafness (PMID: 9931344, 10891988, 34369416). It has also been observed to segregate with disease in related individuals. ClinVar contains an entry for this variant (Variation ID: 6611). Invitae Evidence Modeling of protein sequence and biophysical properties (such as structural, functional, and spatial information, amino acid conservation, physicochemical variation, residue mobility, and thermodynamic stability) indicates that this missense variant is expected to disrupt COCH protein function with a positive predictive value of 95%. Experimental studies have shown that this missense change affects COCH function (PMID: 26256111). For these reasons, this variant has been classified as Pathogenic.

Blueprint Genetics
Classification: Pathogenic for COCH-related disorders. Last evaluated: 2022-03-09. Review status: criteria provided, single submitter. Criteria: ACMG Guidelines, 2015. Collection method: clinical testing. Allele origin: germline. Affected: yes. Observed: 5 variant alleles. Not counted in ClinVar's aggregate classification.

Department of Otolaryngology – Head & Neck Surgery, Cochlear Implant Center
Classification: Likely pathogenic for Hearing impairment. Last evaluated: 2021-04-12. Review status: criteria provided, single submitter. Criteria: ClinGen HL ACMG Specifications v1. Collection method: clinical testing. Allele origin: germline. Affected: yes. Not counted in ClinVar's aggregate classification.
Comment: PS1_Strong, PM2_Moderate, PP3_Supporting

CeGaT Center for Human Genetics Tuebingen
Classification: Pathogenic. Last evaluated: 2018-08-01. Review status: criteria provided, single submitter. Criteria: CeGaT Center For Human Genetics Tuebingen Variant Classification Criteria Version 2. Collection method: clinical testing. Allele origin: germline. Affected: yes. Observed: 1 variant allele. Not counted in ClinVar's aggregate classification.

Laboratory for Molecular Medicine, Mass General Brigham Personalized Medicine
Classification: Pathogenic for Rare genetic deafness. Last evaluated: 2011-11-14. Review status: criteria provided, single submitter. Criteria: LMM Criteria. Collection method: clinical testing. Allele origin: germline. Inheritance: Autosomal dominant inheritance. Observed: 1 variant allele. Not counted in ClinVar's aggregate classification.
Comment: The Pro51Ser variant in COCH has segregated in many Dutch families with late ons et autosomal dominant progressive sensorineural hearing loss with vestibular def ects (Bischoff 2005, de Kok 1999, Fransen 2001). It has been suggested that this variant is likely a found mutation in the Dutch population. In summary, this va riant meets our criteria to be classified as pathogenic.

OMIM
Classification: Pathogenic for DEAFNESS, AUTOSOMAL DOMINANT 9. Last evaluated: 2009-02-01. Review status: no assertion criteria provided. Collection method: literature only. Allele origin: germline. Not counted in ClinVar's aggregate classification.

Clinical Genetics DNA and cytogenetics Diagnostics Lab, Erasmus MC, Erasmus Medical Center
Classification: Pathogenic. Review status: no assertion criteria provided. Collection method: clinical testing. Allele origin: germline. Affected: yes. Study: VKGL Data-share Consensus. Not counted in ClinVar's aggregate classification.

Genome Diagnostics Laboratory, Amsterdam University Medical Center
Classification: Pathogenic. Review status: no assertion criteria provided. Collection method: clinical testing. Allele origin: germline. Affected: yes. Study: VKGL Data-share Consensus. Not counted in ClinVar's aggregate classification.

Literature cited by the submitters: PubMed 16151338 (cited by ClinGen Hearing Loss Variant Curation Expert Panel and Laboratory for Molecular Medicine, Mass General Brigham Personalized Medicine); PubMed 28733840 (cited by ClinGen Hearing Loss Variant Curation Expert Panel); PubMed 11332404 (cited by 3 submitters); PubMed 24662630 (cited by ClinGen Hearing Loss Variant Curation Expert Panel); PubMed 9931344 (cited by 4 submitters); PubMed 10891988 (cited by Labcorp Genetics (formerly Invitae), Labcorp); PubMed 34369416 (cited by Labcorp Genetics (formerly Invitae), Labcorp); PubMed 26256111 (cited by Labcorp Genetics (formerly Invitae), Labcorp); PubMed 16481359 (cited by Laboratory for Molecular Medicine, Mass General Brigham Personalized Medicine); PubMed 10400989 (cited by OMIM); PubMed 19161137 (cited by OMIM).